The following is an entry in ClinVar:

ClinVar aggregate classification (germline): Likely pathogenic (1 of 4 stars; one submission).

Conditions:
HADHA-related disorder. Also called: HADHA-related condition; HADHA-related disorders.

Submission:

PreventionGenetics, part of Exact Sciences
Classification: Likely pathogenic for HADHA-related condition. Last evaluated: 2025-01-11. Review status: criteria provided, single submitter. Criteria: ACMG Guidelines, 2015. Collection method: clinical testing. Allele origin: germline.
Comment: The HADHA c.1407delC variant is predicted to result in a frameshift and premature protein termination (p.Cys470Valfs*25). To our knowledge, this variant has not been reported in the literature. This variant is reported in 0.0033% of alleles in individuals of South Asian descent in gnomAD. Frameshift variants in HADHA are expected to be pathogenic. This variant is interpreted as likely pathogenic.

NM_000182.5(HADHA):c.1407del (p.Cys470fs)

Genes: GAREM2 (GRB2 associated regulator of MAPK1 subtype 2; plus strand), HADHA (hydroxyacyl-CoA dehydrogenase trifunctional multienzyme complex subunit alpha; minus strand). Cytogenetic location: 2p23.3.
Variant type: Deletion.
Coding change: c.1407del on transcript NM_000182.5 (MANE Select); coding-DNA position 1407, one base deleted (C; older notation c.1407delC).
Protein change: p.Cys470fs; shifts the reading frame from cysteine 470.
Molecular consequence: frameshift variant.
Genome position (GRCh38, 1-based): chr2:26,197,763, G deleted on the plus strand (C on the coding strand, the reverse complement: HADHA is on the minus strand). VCF-style (leftmost placement, unchanged base first): chr2-26197762-AG-A. GRCh37 (hg19) VCF-style: chr2-26420631-AG-A.
Other names: short protein forms C470fs.
Identifiers: ClinVar variation 4999593 (VCV004999593.1).